The following is an entry in ClinVar:

ClinVar aggregate classification (germline): Uncertain significance. Review status: criteria provided, multiple submitters, no conflicts (2 of 4 stars). 2 submissions from 2 submitters: Uncertain significance (2). Last evaluated 2024-10-22.

Conditions:
Nephronophthisis 16 (NPHP16). Identifiers: Orphanet 655, MedGen C3809320, MONDO:0014158, OMIM 615382.

Allele frequency attached by ClinVar (database versions not stated): gnomAD 0.00003; ESP Exome Variant Server 0.00008; ExAC 0.00003; 1000 Genomes Project 30x 0.00016; 1000 Genomes Project 0.00020; TOPMed 0.00003.
gnomAD v4.1: 34 of 1,613,012 alleles (0.0021%); highest among the groups gnomAD compares: African/African-American, 0.0053%; no homozygotes.

Submissions (2):

Labcorp Genetics (formerly Invitae), Labcorp
Classification: Uncertain significance for Nephronophthisis 16. Last evaluated: 2024-10-22. Review status: criteria provided, single submitter. Criteria: Invitae Variant Classification Sherloc (09022015). Collection method: clinical testing. Allele origin: germline.
Comment: This sequence change replaces arginine, which is basic and polar, with tryptophan, which is neutral and slightly polar, at codon 142 of the ANKS6 protein (p.Arg142Trp). This variant is present in population databases (rs199671276, gnomAD 0.01%). This variant has not been reported in the literature in individuals affected with ANKS6-related conditions. ClinVar contains an entry for this variant (Variation ID: 658948). An algorithm developed to predict the effect of missense changes on protein structure and function (PolyPhen-2) suggests that this variant is likely to be disruptive. In summary, the available evidence is currently insufficient to determine the role of this variant in disease. Therefore, it has been classified as a Variant of Uncertain Significance.

GeneDx
Classification: Uncertain significance. Last evaluated: 2022-03-15. Review status: criteria provided, single submitter. Criteria: GeneDx Variant Classification Process June 2021. Collection method: clinical testing. Allele origin: germline. Affected: yes.
Comment: Not observed at significant frequency in large population cohorts (gnomAD); In silico analysis supports that this missense variant has a deleterious effect on protein structure/function; Has not been previously published as pathogenic or benign to our knowledge

NM_173551.5(ANKS6):c.424C>T (p.Arg142Trp)

Gene: ANKS6 (ankyrin repeat and sterile alpha motif domain containing 6; minus strand). Cytogenetic location: 9q22.33.
Variant type: single nucleotide variant.
Coding change: c.424C>T on transcript NM_173551.5 (MANE Select); coding-DNA position 424, C replaced by T.
Protein change: p.Arg142Trp; replaces arginine 142 with tryptophan.
Molecular consequence: missense variant.
Genome position (GRCh38, 1-based): chr9:98,790,542, G>A on the plus strand (C>T on the coding strand, the complement: ANKS6 is on the minus strand). VCF-style: chr9-98790542-G-A. GRCh37 (hg19) VCF-style: chr9-101552824-G-A.
Other names: short protein forms R142W.
Identifiers: ClinVar variation 658948 (VCV000658948.11), dbSNP rs199671276, ClinGen allele CA5153854.